The following is an entry in ClinVar:

NM_000062.3(SERPING1):c.685+5G>A

Gene: SERPING1 (serpin family G member 1; plus strand). Cytogenetic location: 11q12.1.
Variant type: single nucleotide variant.
Coding change: c.685+5G>A on transcript NM_000062.3 (MANE Select); 5 bases into the intron after coding-DNA position 685, G replaced by A.
Molecular consequence: intron variant.
Genome position (GRCh38, 1-based): chr11:57,602,174, G>A. VCF-style: chr11-57602174-G-A. GRCh37 (hg19) VCF-style: chr11-57369647-G-A.
Other names: c.685+5G>A (NM_001032295.2).
Identifiers: ClinVar variation 3632506 (VCV003632506.2).

ClinVar aggregate classification (germline): Uncertain significance (1 of 4 stars; one submission).

Submission:

Labcorp Genetics (formerly Invitae), Labcorp
Classification: Uncertain significance. Last evaluated: 2025-01-13. Review status: criteria provided, single submitter. Criteria: Invitae Variant Classification Sherloc (09022015). Collection method: clinical testing. Allele origin: germline.
Comment: This sequence change falls in intron 4 of the SERPING1 gene. It does not directly change the encoded amino acid sequence of the SERPING1 protein. It affects a nucleotide within the consensus splice site. This variant is not present in population databases (gnomAD no frequency). This variant has been observed in individuals with clinical features of angioedema (PMID: 31517426; internal data). Variants that disrupt the consensus splice site are a relatively common cause of aberrant splicing (PMID: 17576681, 9536098). Algorithms developed to predict the effect of sequence changes on RNA splicing suggest that this variant is not likely to affect RNA splicing. In summary, the available evidence is currently insufficient to determine the role of this variant in disease. Therefore, it has been classified as a Variant of Uncertain Significance.

Literature cited by the submitters: PubMed 31517426; PubMed 17576681; PubMed 9536098.